The following is an entry in ClinVar:

NM_001369.3(DNAH5):c.417_418insTT (p.Thr140fs)

Gene: DNAH5 (dynein axonemal heavy chain 5; minus strand). Cytogenetic location: 5p15.2.
Variant type: Insertion.
Coding change: c.417_418insTT on transcript NM_001369.3 (MANE Select); coding-DNA positions 417 to 418, TT inserted.
Protein change: p.Thr140fs; shifts the reading frame from threonine 140.
Molecular consequence: frameshift variant.
Genome position: GRCh38 VCF-style: chr5-13923300-T-TAA. GRCh37 (hg19) VCF-style: chr5-13923409-T-TAA.
Other names: short protein forms T140fs.
Identifiers: ClinVar variation 1724759 (VCV001724759.2), dbSNP rs2547159886, ClinGen allele CA2580072132.

ClinVar aggregate classification (germline): Likely pathogenic (1 of 4 stars; one submission).

Conditions:
Primary ciliary dyskinesia 3. Identifiers: Orphanet 244, MedGen C1837618, MONDO:0012085, OMIM 608644.

Submission:

Myriad Genetics, Inc.
Classification: Likely pathogenic for Primary ciliary dyskinesia 3. Last evaluated: 2022-02-25. Review status: criteria provided, single submitter. Criteria: Myriad Women's Health Autosomal Recessive and X-Linked Classification Criteria (2021). Collection method: clinical testing. Allele origin: unknown.
Comment: NM_001369.2(DNAH5):c.417_418insTT(T140Lfs*10) is expected to be pathogenic in the context of DNAH5-related primary ciliary dyskinesia. This variant is predicted to lead to an abnormal or absent protein product due to the creation of a premature termination codon in DNAH5, a gene where loss-of-function variants are known to be pathogenic. Please note: this variant was assessed in the context of healthy population screening.